The following is an entry in ClinVar:

NM_058216.3(RAD51C):c.878del (p.Asn293fs)

Gene: RAD51C (RAD51 paralog C; plus strand). Cytogenetic location: 17q22.
Variant type: Deletion.
Coding change: c.878del on transcript NM_058216.3 (MANE Select); coding-DNA position 878, one base deleted (A; older notation c.878delA).
Protein change: p.Asn293fs; shifts the reading frame from asparagine 293.
Molecular consequence: frameshift variant. On other transcripts: non-coding transcript variant (1).
Genome position (GRCh38, 1-based): chr17:58,720,786, A deleted; the last of 3 consecutive A bases (chr17:58,720,784-58,720,786); deleting any one gives the same sequence. VCF-style (leftmost placement, unchanged base first): chr17-58720783-GA-G. GRCh37 (hg19) VCF-style: chr17-56798144-GA-G.
Other names: c.*306delA (NM_058217.1); short protein forms N293fs.
Identifiers: ClinVar variation 1764660 (VCV001764660.2), dbSNP rs2509337177, ClinGen allele CA2580094313.
Genomic context (GRCh38, chr17:58,720,783, plus strand): 5'-TTTCTTACATTTTGTTTTTGTAGGTAATTTTAACCAATCAGATGACAACAAAGATTGATA[GA>G]AATCAGGCCTTGCTTGTTCCTGCATTAGGTGGGTAATTAATCAGATAAACATTTTAGTTT-3'

ClinVar aggregate classification (germline): Pathogenic (1 of 4 stars; one submission).

Conditions:
Hereditary cancer-predisposing syndrome. Also called: Neoplastic Syndromes, Hereditary; Tumor predisposition; Hereditary Cancer Syndrome; Hereditary neoplastic syndrome. Identifiers: Orphanet 140162, MedGen C0027672, MeSH D009386, MONDO:0015356.

Submission:

Ambry Genetics
Classification: Pathogenic for Hereditary cancer-predisposing syndrome. Last evaluated: 2020-03-24. Review status: criteria provided, single submitter. Criteria: Ambry Variant Classification Scheme 2023. Collection method: clinical testing. Allele origin: germline.
Comment: The c.878delA pathogenic mutation, located in coding exon 6 of the RAD51C gene, results from a deletion of one nucleotide at nucleotide position 878, causing a translational frameshift with a predicted alternate stop codon (p.N293Ifs*9). This alteration is expected to result in loss of function by premature protein truncation or nonsense-mediated mRNA decay. As such, this alteration is interpreted as a disease-causing mutation.